The following is an entry in ClinVar:

NM_000487.6(ARSA):c.73A>G (p.Ile25Val)

Gene: ARSA (arylsulfatase A; minus strand). Cytogenetic location: 22q13.33.
Variant type: single nucleotide variant.
Coding change: c.73A>G on transcript NM_000487.6 (MANE Select); coding-DNA position 73, A replaced by G.
Protein change: p.Ile25Val; replaces isoleucine 25 with valine.
Molecular consequence: missense variant. On other transcripts: intron variant (2).
Genome position (GRCh38, 1-based): chr22:50,627,707, T>C on the plus strand (A>G on the coding strand, the complement: ARSA is on the minus strand). VCF-style: chr22-50627707-T-C. GRCh37 (hg19) VCF-style: chr22-51066135-T-C.
Other names: c.73A>G, p.Ile25Val (NM_001085425.3, NM_001085426.3, NM_001085427.3); c.-35+284A>G (NM_001362782.2); c.-35+239A>G (NM_001085428.3); short protein forms I25V.
Identifiers: ClinVar variation 1195893 (VCV001195893.5), dbSNP rs549154390, ClinGen allele CA10325121.

ClinVar aggregate classification (germline): Uncertain significance. Review status: criteria provided, multiple submitters, no conflicts (2 of 4 stars). 3 submissions from 3 submitters: Uncertain significance (3). Last evaluated 2025-07-24.

Conditions:
Metachromatic leukodystrophy (MLD). Also called: Arylsulfatase A Deficiency; Cerebral sclerosis diffuse metachromatic form; ARSA DEFICIENCY; CEREBROSIDE SULFATASE DEFICIENCY; METACHROMATIC LEUKOENCEPHALOPATHY; SULFATIDE LIPIDOSIS. Identifiers: Orphanet 512, MedGen C0023522, MONDO:0018868, OMIM 250100.

Allele frequency attached by ClinVar (database versions not stated): TOPMed below 0.00001; gnomAD exomes 0.00001 and 0.00002; gnomAD 0.00003; ExAC 0.00010.
gnomAD v4.1: 14 of 1,555,204 alleles (0.0009%); highest among the groups gnomAD compares: South Asian, 0.017%; no homozygotes.

Submissions (3):

Myriad Genetics, Inc.
Classification: Uncertain significance for Metachromatic leukodystrophy. Last evaluated: 2025-07-24. Review status: criteria provided, single submitter. Criteria: Myriad Autosomal Dominant, Autosomal Recessive and X-Linked Classification Criteria (2023). Collection method: clinical testing. Allele origin: unknown.
Comment: NM_000487.5(ARSA):c.73A>G(I25V) is a missense variant classified as a variant of uncertain significance in the context of metachromatic leukodystrophy. I25V has not been observed in cases with relevant disease. Relevant functional assessments of this variant are available in the literature (PMID: 37480112). I25V has been observed in referenced population frequency databases. In summary, there is insufficient evidence to classify NM_000487.5(ARSA):c.73A>G(I25V) as pathogenic or benign. Please note: this variant was assessed in the context of healthy population screening.

Labcorp Genetics (formerly Invitae), Labcorp
Classification: Uncertain significance for Metachromatic leukodystrophy. Last evaluated: 2024-10-25. Review status: criteria provided, single submitter. Criteria: Invitae Variant Classification Sherloc (09022015). Collection method: clinical testing. Allele origin: germline.
Comment: This sequence change replaces isoleucine, which is neutral and non-polar, with valine, which is neutral and non-polar, at codon 25 of the ARSA protein (p.Ile25Val). This variant is present in population databases (rs549154390, gnomAD 0.01%). This variant has not been reported in the literature in individuals affected with ARSA-related conditions. ClinVar contains an entry for this variant (Variation ID: 1195893). Invitae Evidence Modeling of protein sequence and biophysical properties (such as structural, functional, and spatial information, amino acid conservation, physicochemical variation, residue mobility, and thermodynamic stability) has been performed for this missense variant. However, the output from this modeling did not meet the statistical confidence thresholds required to predict the impact of this variant on ARSA protein function. In summary, the available evidence is currently insufficient to determine the role of this variant in disease. Therefore, it has been classified as a Variant of Uncertain Significance.

Genome-Nilou Lab
Classification: Uncertain significance for Metachromatic leukodystrophy. Last evaluated: 2021-07-14. Review status: criteria provided, single submitter. Criteria: ACMG Guidelines, 2015. Collection method: clinical testing. Allele origin: germline. Affected: no.

Literature cited by the submitters: PubMed 37480112 (cited by Myriad Genetics, Inc.).